The following is an entry in ClinVar:

ClinVar aggregate classification (germline): Likely benign (1 of 4 stars; one submission).

Submission:

CeGaT Center for Human Genetics Tuebingen
Classification: Likely benign. Last evaluated: 2026-03-01. Review status: criteria provided, single submitter. Criteria: CeGaT Center For Human Genetics Tuebingen Variant Classification Criteria Version 2. Collection method: clinical testing. Allele origin: germline. Affected: yes. Observed: 1 variant allele.
Comment: SRRM5: BP4, BP7

NM_001145641.2(SRRM5):c.1362T>C (p.Ser454=)

Genes: SRRM5 (serine/arginine repetitive matrix 5; plus strand), ZNF428 (zinc finger protein 428; minus strand). Cytogenetic location: 19q13.31.
Variant type: single nucleotide variant.
Coding change: c.1362T>C on transcript NM_001145641.2 (MANE Select); coding-DNA position 1362, T replaced by C.
Protein change: p.Ser454=; no amino-acid change (serine 454 retained).
Molecular consequence: synonymous variant. On other transcripts: intron variant (1).
Genome position (GRCh38, 1-based): chr19:43,613,483, T>C. VCF-style: chr19-43613483-T-C. GRCh37 (hg19) VCF-style: chr19-44117635-T-C.
Other names: c.76+746A>G (NM_182498.4).
Identifiers: ClinVar variation 4872606 (VCV004872606.2).